The following is an entry in ClinVar:

NM_001384140.1(PCDH15):c.1305+1G>A

Gene: PCDH15 (protocadherin related 15; minus strand). Cytogenetic location: 10q21.1.
Variant type: single nucleotide variant.
Coding change: c.1305+1G>A on transcript NM_001384140.1 (MANE Select); the canonical splice donor site of the intron after coding-DNA position 1305, G replaced by A.
Molecular consequence: splice donor variant.
Genome position (GRCh38, 1-based): chr10:54,195,682, C>T on the plus strand (G>A on the coding strand, the complement: PCDH15 is on the minus strand). VCF-style: chr10-54195682-C-T. GRCh37 (hg19) VCF-style: chr10-55955442-C-T.
Other names: c.1305+1G>A (NM_001354420.2, NM_001354429.2, NM_001142772.2 and 7 more transcripts); c.1320+1G>A (NM_001142771.2, NM_001142769.3, NM_001142763.2); c.1239+1G>A (NM_001354404.2, NM_001142773.2, NM_001142768.2); c.1194+1G>A (NM_001142767.2).
Identifiers: ClinVar variation 370294 (VCV000370294.6), dbSNP rs758947077, ClinGen allele CA16041375.

ClinVar aggregate classification (germline): Likely pathogenic. Review status: criteria provided, single submitter (1 of 4 stars). 2 submissions from 2 submitters: Likely pathogenic (1). 1 of the submissions does not count toward it. Last evaluated 2023-09-06.

Conditions:
Usher syndrome type 1F (USH1F). Also called: USHER SYNDROME, TYPE IF. Identifiers: Orphanet 231169, Orphanet 886, MedGen C1865885, MONDO:0011186, OMIM 602083.

Allele frequency attached by ClinVar (database versions not stated): gnomAD exomes below 0.00001.
gnomAD v4.1: 1 of 1,610,548 alleles (0.000062%); highest among the groups gnomAD compares: South Asian, 0.0011%; no homozygotes.

Submissions (2):

Labcorp Genetics (formerly Invitae), Labcorp
Classification: Likely pathogenic. Last evaluated: 2023-09-06. Review status: criteria provided, single submitter. Criteria: Invitae Variant Classification Sherloc (09022015). Collection method: clinical testing. Allele origin: germline.
Comment: In summary, the currently available evidence indicates that the variant is pathogenic, but additional data are needed to prove that conclusively. Therefore, this variant has been classified as Likely Pathogenic. Algorithms developed to predict the effect of sequence changes on RNA splicing suggest that this variant may disrupt the consensus splice site. ClinVar contains an entry for this variant (Variation ID: 370294). This variant has not been reported in the literature in individuals affected with PCDH15-related conditions. This variant is not present in population databases (gnomAD no frequency). This sequence change affects a donor splice site in intron 11 of the PCDH15 gene. It is expected to disrupt RNA splicing. Variants that disrupt the donor or acceptor splice site typically lead to a loss of protein function (PMID: 16199547), and loss-of-function variants in PCDH15 are known to be pathogenic (PMID: 11398101, 11487575, 14570705).

Counsyl
Classification: Likely pathogenic for Usher syndrome type 1F. Last evaluated: 2016-01-05. Review status: no assertion criteria provided. Collection method: clinical testing. Allele origin: unknown. Not counted in ClinVar's aggregate classification.

Literature cited by the submitters: PubMed 16199547 (cited by Labcorp Genetics (formerly Invitae), Labcorp); PubMed 11398101 (cited by Labcorp Genetics (formerly Invitae), Labcorp); PubMed 11487575 (cited by Labcorp Genetics (formerly Invitae), Labcorp); PubMed 14570705 (cited by Labcorp Genetics (formerly Invitae), Labcorp).